The following is an entry in ClinVar:

ClinVar aggregate classification (germline): Uncertain significance. Review status: criteria provided, multiple submitters, no conflicts (2 of 4 stars). 2 submissions from 2 submitters: Uncertain significance (2). Last evaluated 2022-08-23.

Conditions:
Immunodeficiency 23 (IMD23). Also called: IMMUNODEFICIENCY WITH HYPER IgE AND COGNITIVE IMPAIRMENT; IMMUNODEFICIENCY-VASCULITIS-MYOCLONUS SYNDROME. Identifiers: Orphanet 443811, MedGen C4014371, MONDO:0014353, OMIM 615816.
Inborn genetic diseases. Identifiers: MedGen C0950123, MeSH D030342.

Allele frequency attached by ClinVar (database versions not stated): gnomAD exomes 0.00002 and 0.00004; 1000 Genomes Project 30x 0.00016; 1000 Genomes Project 0.00020; gnomAD 0.00033 and 0.00034; TOPMed 0.00042.
gnomAD v4.1: 116 of 1,535,386 alleles (0.0076%); highest among the groups gnomAD compares: African/African-American, 0.13%; 1 homozygote.

Submissions (2):

Labcorp Genetics (formerly Invitae), Labcorp
Classification: Uncertain significance for Immunodeficiency 23. Last evaluated: 2022-08-23. Review status: criteria provided, single submitter. Criteria: Invitae Variant Classification Sherloc (09022015). Collection method: clinical testing. Allele origin: germline.
Comment: This sequence change replaces isoleucine, which is neutral and non-polar, with threonine, which is neutral and polar, at codon 10 of the PGM3 protein (p.Ile10Thr). This variant is present in population databases (rs373825865, gnomAD 0.1%). This variant has not been reported in the literature in individuals affected with PGM3-related conditions. ClinVar contains an entry for this variant (Variation ID: 541846). Algorithms developed to predict the effect of missense changes on protein structure and function are either unavailable or do not agree on the potential impact of this missense change (SIFT: "Deleterious"; PolyPhen-2: "Benign"; Align-GVGD: "Class C0"). In summary, the available evidence is currently insufficient to determine the role of this variant in disease. Therefore, it has been classified as a Variant of Uncertain Significance.

Ambry Genetics
Classification: Uncertain significance for Inborn genetic diseases. Last evaluated: 2021-12-20. Review status: criteria provided, single submitter. Criteria: Ambry Variant Classification Scheme 2023. Collection method: clinical testing. Allele origin: germline.

NM_015599.3(PGM3):c.-2-226T>C

Gene: PGM3 (phosphoglucomutase 3; minus strand). Cytogenetic location: 6q14.1.
Variant type: single nucleotide variant.
Coding change: c.-2-226T>C on transcript NM_015599.3 (MANE Select); 226 bases into the intron before 2 bases upstream of the start codon, T replaced by C.
Molecular consequence: intron variant. On other transcripts: missense variant (2).
Genome position (GRCh38, 1-based): chr6:83,191,240, A>G on the plus strand (T>C on the coding strand, the complement: PGM3 is on the minus strand). VCF-style: chr6-83191240-A-G. GRCh37 (hg19) VCF-style: chr6-83900959-A-G.
Other names: c.-2-226T>C (LRG_1312t1, NM_001367286.1, NM_001199919.2); c.29T>C, p.Ile10Thr (NM_001199917.2, NM_001367287.1); c.-40+1939T>C (NM_001199918.2); short protein forms I10T.
Identifiers: ClinVar variation 541846 (VCV000541846.6), dbSNP rs373825865, ClinGen allele CA141912138.
Genomic context (GRCh38, chr6:83,191,240, plus strand): 5'-GAATTACCTACAAGATGTTGTCCAACTTGGTATGTCCACTCCTGGGCAGACTCAGGGCAG[A>G]TAGCAGATTGTCCCCACTCTCCTCCCATTTTAGCTCCAGGACTATCCTGGACGCCGGGCA-3'